The following is an entry in ClinVar:

NM_001375765.1(GIGYF1):c.2412+1G>T

Gene: GIGYF1 (GRB10 interacting GYF protein 1; minus strand). Cytogenetic location: 7q22.1.
Variant type: single nucleotide variant.
Coding change: c.2412+1G>T on transcript NM_001375765.1 (MANE Select); the canonical splice donor site of the intron after coding-DNA position 2412, G replaced by T.
Molecular consequence: splice donor variant.
Genome position (GRCh38, 1-based): chr7:100,683,011, C>A on the plus strand (G>T on the coding strand, the complement: GIGYF1 is on the minus strand). VCF-style: chr7-100683011-C-A. GRCh37 (hg19) VCF-style: chr7-100280634-C-A.
Other names: NM_022574.4:c.2412+1G>T; c.2412+1G>T (NM_001375760.1, NM_001375764.1, NM_001375766.1 and 6 more transcripts).
Identifiers: ClinVar variation 3853956 (VCV003853956.1).

ClinVar aggregate classification (germline): Uncertain significance (1 of 4 stars; one submission).

Submission:

Ambry Genetics
Classification: Uncertain significance. Last evaluated: 2024-12-16. Review status: criteria provided, single submitter. Criteria: Ambry Variant Classification Scheme 2023. Collection method: clinical testing. Allele origin: germline.
Comment: The c.2412+1G>T intronic variant results from a G to T substitution one nucleotide after coding exon 19 of the GIGYF1 gene. Alterations that disrupt the canonical splice site are expected to result in aberrant splicing. The resulting transcript is predicted to be in-frame and is not expected to trigger nonsense-mediated mRNA decay, although direct evidence is unavailable. This variant was not reported in population-based cohorts in the Genome Aggregation Database (gnomAD). This nucleotide position is highly conserved in available vertebrate species. In silico splice site analysis predicts that this alteration will weaken the native splice donor site. Based on insufficient or conflicting evidence, the clinical significance of this alteration remains unclear.